The following is an entry in ClinVar:

NM_001199397.3(NEK1):c.695G>A (p.Arg232His)

Gene: NEK1 (NIMA related kinase 1; minus strand). Cytogenetic location: 4q33.
Variant type: single nucleotide variant.
Coding change: c.695G>A on transcript NM_001199397.3 (MANE Select); coding-DNA position 695, G replaced by A.
Protein change: p.Arg232His; replaces arginine 232 with histidine.
Molecular consequence: missense variant. On other transcripts: non-coding transcript variant (2).
Genome position (GRCh38, 1-based): chr4:169,585,461, C>T on the plus strand (G>A on the coding strand, the complement: NEK1 is on the minus strand). VCF-style: chr4-169585461-C-T. GRCh37 (hg19) VCF-style: chr4-170506612-C-T.
Other names: c.695G>A, p.Arg232His (NM_001199398.3, NM_001199399.3, NM_001199400.3 and 7 more transcripts); short protein forms R232H.
Identifiers: ClinVar variation 266044 (VCV000266044.11), dbSNP rs772747361, ClinGen allele CA3137972.

ClinVar aggregate classification (germline): Conflicting classifications of pathogenicity. Review status: criteria provided, conflicting classifications (1 of 4 stars). 3 submissions from 3 submitters: Likely pathogenic (1); Uncertain significance (2). Last evaluated 2025-06-24.

Conditions:
Motor neuron disease. Also called: Degenerative motor system disease; Motor neuron disorder. Identifiers: Orphanet 98503, MedGen C0085084, MONDO:0020128.
Short-rib thoracic dysplasia 6 with or without polydactyly (SRTD6). Also called: SHORT RIB-POLYDACTYLY SYNDROME, TYPE IIA; SHORT-RIB THORACIC DYSPLASIA 6 WITH POLYDACTYLY; SHORT-RIB THORACIC DYSPLASIA 6 WITHOUT POLYDACTYLY; POLYDACTYLY WITH NEONATAL CHONDRODYSTROPHY, TYPE II; Majewski Syndrome. Identifiers: MedGen C0024507, MONDO:0009894, OMIM 263520.

Allele frequency attached by ClinVar (database versions not stated): ExAC 0.00001; gnomAD exomes 0.00002; TOPMed 0.00002; gnomAD 0.00006.
gnomAD v4.1: 31 of 1,613,140 alleles (0.0019%); highest among the groups gnomAD compares: African/African-American, 0.015%; 1 homozygote.

Submissions (3):

Labcorp Genetics (formerly Invitae), Labcorp
Classification: Uncertain significance for Short-rib thoracic dysplasia 6 with or without polydactyly. Last evaluated: 2025-06-24. Review status: criteria provided, single submitter. Criteria: Invitae Variant Classification Sherloc (09022015). Collection method: clinical testing. Allele origin: germline.
Comment: This sequence change replaces arginine, which is basic and polar, with histidine, which is basic and polar, at codon 232 of the NEK1 protein (p.Arg232His). This variant is present in population databases (rs772747361, gnomAD 0.01%). This variant has not been reported in the literature in individuals affected with NEK1-related conditions. ClinVar contains an entry for this variant (Variation ID: 266044). Invitae Evidence Modeling of protein sequence and biophysical properties (such as structural, functional, and spatial information, amino acid conservation, physicochemical variation, residue mobility, and thermodynamic stability) indicates that this missense variant is not expected to disrupt NEK1 protein function with a negative predictive value of 95%. In summary, the available evidence is currently insufficient to determine the role of this variant in disease. Therefore, it has been classified as a Variant of Uncertain Significance.

Genetic Services Laboratory, University of Chicago
Classification: Uncertain significance. Last evaluated: 2016-09-02. Review status: criteria provided, single submitter. Criteria: ACMG Guidelines, 2015. Collection method: clinical testing. Allele origin: germline. Affected: no.

Centre for Genomic and Experimental Medicine, University of Edinburgh
Classification: Likely pathogenic for Motor neuron disease. Last evaluated: 2016-08-31. Review status: criteria provided, single submitter. Criteria: Submitter's publication. Collection method: case-control. Allele origin: unknown. Affected: no. Observed: 1 heterozygote.

Literature cited by the submitters: PubMed 28089114 (cited by Centre for Genomic and Experimental Medicine, University of Edinburgh).